The following is an entry in ClinVar:

ClinVar aggregate classification (germline): Uncertain significance. Review status: criteria provided, multiple submitters, no conflicts (2 of 4 stars). 2 submissions from 2 submitters: Uncertain significance (2). Last evaluated 2026-04-07.

Allele frequency attached by ClinVar (database versions not stated): gnomAD exomes 0.00002; ExAC 0.00004.
gnomAD v4.1: 7 of 1,607,296 alleles (0.00044%); highest among the groups gnomAD compares: Admixed American, 0.012%; no homozygotes.

Submissions (2):

Women's Health and Genetics/Laboratory Corporation of America, LabCorp
Classification: Uncertain significance. Last evaluated: 2026-04-07. Review status: criteria provided, single submitter. Criteria: LabCorp Variant Classification Summary - May 2015. Collection method: clinical testing. Allele origin: germline.

Labcorp Genetics (formerly Invitae), Labcorp
Classification: Uncertain significance. Last evaluated: 2025-04-27. Review status: criteria provided, single submitter. Criteria: Invitae Variant Classification Sherloc (09022015). Collection method: clinical testing. Allele origin: germline.
Comment: This sequence change falls in intron 8 of the ARHGEF1 gene. It does not directly change the encoded amino acid sequence of the ARHGEF1 protein. It affects a nucleotide within the consensus splice site. This variant is present in population databases (rs782612208, gnomAD 0.02%). This variant has not been reported in the literature in individuals affected with ARHGEF1-related conditions. ClinVar contains an entry for this variant (Variation ID: 1360451). Variants that disrupt the consensus splice site are a relatively common cause of aberrant splicing (PMID: 17576681, 9536098). Algorithms developed to predict the effect of sequence changes on RNA splicing suggest that this variant is not likely to affect RNA splicing. In summary, the available evidence is currently insufficient to determine the role of this variant in disease. Therefore, it has been classified as a Variant of Uncertain Significance.

Literature cited by the submitters: PubMed 17576681 (cited by Labcorp Genetics (formerly Invitae), Labcorp); PubMed 9536098 (cited by Labcorp Genetics (formerly Invitae), Labcorp).

NM_004706.4(ARHGEF1):c.644+6G>T

Gene: ARHGEF1 (Rho guanine nucleotide exchange factor 1; plus strand). Cytogenetic location: 19q13.2.
Variant type: single nucleotide variant.
Coding change: c.644+6G>T on transcript NM_004706.4 (MANE Select); 6 bases into the intron after coding-DNA position 644, G replaced by T.
Molecular consequence: intron variant.
Genome position (GRCh38, 1-based): chr19:41,893,309, G>T. VCF-style: chr19-41893309-G-T. GRCh37 (hg19) VCF-style: chr19-42397380-G-T.
Other names: c.545+6G>T (NM_198977.2); c.689+6G>T (NM_199002.2).
Identifiers: ClinVar variation 1360451 (VCV001360451.7), dbSNP rs782612208, ClinGen allele CA9465987.